The following is an entry in ClinVar:

ClinVar aggregate classification (germline): Benign/Likely benign. Review status: criteria provided, multiple submitters, no conflicts (2 of 4 stars). 3 submissions from 3 submitters: Benign (1); Likely benign (2). Last evaluated 2023-11-15.

Conditions:
Familial pulmonary capillary hemangiomatosis (PVOD2). Also called: Pulmonary venoocclusive disease 2, autosomal recessive; Pulmonary venoocclusive disease 2. Identifiers: Orphanet 199241, MedGen C0340848, MONDO:0009329, OMIM 234810.

Allele frequency attached by ClinVar (database versions not stated): gnomAD exomes 0.00011 and 0.00027; 1000 Genomes Project 30x 0.00062; ExAC 0.00026; ESP Exome Variant Server 0.00106; TOPMed 0.00155; 1000 Genomes Project 0.00060; gnomAD 0.00133 and 0.00147.
gnomAD v4.1: 360 of 1,611,996 alleles (0.022%); highest among the groups gnomAD compares: African/African-American, 0.44%; 1 homozygote.

Submissions (3):

Labcorp Genetics (formerly Invitae), Labcorp
Classification: Benign. Last evaluated: 2023-11-15. Review status: criteria provided, single submitter. Criteria: Invitae Variant Classification Sherloc (09022015). Collection method: clinical testing. Allele origin: germline.

ARUP Laboratories, Molecular Genetics and Genomics, ARUP Laboratories
Classification: Likely benign for Familial pulmonary capillary hemangiomatosis. Last evaluated: 2021-09-13. Review status: criteria provided, single submitter. Criteria: ARUP Molecular Germline Variant Investigation Process 2021. Collection method: clinical testing. Allele origin: germline.

GeneDx
Classification: Likely benign. Last evaluated: 2018-04-17. Review status: criteria provided, single submitter. Criteria: GeneDx Variant Classification (06012015). Collection method: clinical testing. Allele origin: germline. Affected: yes.
Comment: This variant is considered likely benign or benign based on one or more of the following criteria: it is a conservative change, it occurs at a poorly conserved position in the protein, it is predicted to be benign by multiple in silico algorithms, and/or has population frequency not consistent with disease.

NM_001013703.4(EIF2AK4):c.1968C>T (p.Ile656=)

Gene: EIF2AK4 (eukaryotic translation initiation factor 2 alpha kinase 4; plus strand). Cytogenetic location: 15q15.1.
Variant type: single nucleotide variant.
Coding change: c.1968C>T on transcript NM_001013703.4 (MANE Select); coding-DNA position 1968, C replaced by T.
Protein change: p.Ile656=; no amino-acid change (isoleucine 656 retained).
Molecular consequence: synonymous variant.
Genome position (GRCh38, 1-based): chr15:39,976,563, C>T. VCF-style: chr15-39976563-C-T. GRCh37 (hg19) VCF-style: chr15-40268764-C-T.
Identifiers: ClinVar variation 682150 (VCV000682150.15), dbSNP rs369621429, ClinGen allele CA7473889.
Genomic context (GRCh38, chr15:39,976,563, plus strand): 5'-AGTGACACTGCTGTCACGGCTGCACCATGAGAACATTGTGCGCTACTACAACGCCTGGAT[C>T]GAGCGGCACGAGCGGCCGGCGGGACCGGGGACGCCGCCCCCGGACTCCGGGCCCCTGGCC-3'
Protein context (NP_001013725.2, residues 646-666): ENIVRYYNAW[Ile656=]ERHERPAGPG